The following is an entry in ClinVar:

ClinVar aggregate classification (germline): Uncertain significance. Review status: criteria provided, multiple submitters, no conflicts (2 of 4 stars). 2 submissions from 2 submitters: Uncertain significance (2). Last evaluated 2024-01-04.

Allele frequency attached by ClinVar (database versions not stated): gnomAD exomes 0.00001; ExAC 0.00003; ESP Exome Variant Server 0.00008; 1000 Genomes Project 30x 0.00016; 1000 Genomes Project 0.00020.
gnomAD v4.1: 15 of 1,613,672 alleles (0.00093%); highest among the groups gnomAD compares: South Asian, 0.0033%; no homozygotes.

Submissions (2):

GeneDx
Classification: Uncertain significance. Last evaluated: 2024-01-04. Review status: criteria provided, single submitter. Criteria: GeneDx Variant Classification Process June 2021. Collection method: clinical testing. Allele origin: germline. Affected: yes.
Comment: In silico analysis supports that this missense variant has a deleterious effect on protein structure/function; Has not been previously published as pathogenic or benign to our knowledge

Labcorp Genetics (formerly Invitae), Labcorp
Classification: Uncertain significance. Last evaluated: 2022-02-21. Review status: criteria provided, single submitter. Criteria: Invitae Variant Classification Sherloc (09022015). Collection method: clinical testing. Allele origin: germline.
Comment: This sequence change replaces arginine, which is basic and polar, with histidine, which is basic and polar, at codon 179 of the SAG protein (p.Arg179His). This variant is present in population databases (rs201978529, gnomAD 0.01%). This variant has not been reported in the literature in individuals affected with SAG-related conditions. Algorithms developed to predict the effect of missense changes on protein structure and function are either unavailable or do not agree on the potential impact of this missense change (SIFT: "Deleterious"; PolyPhen-2: "Probably Damaging"; Align-GVGD: "Class C0"). In summary, the available evidence is currently insufficient to determine the role of this variant in disease. Therefore, it has been classified as a Variant of Uncertain Significance.

NM_000541.5(SAG):c.536G>A (p.Arg179His)

Gene: SAG (S-antigen visual arrestin; plus strand). Cytogenetic location: 2q37.1.
Variant type: single nucleotide variant.
Coding change: c.536G>A on transcript NM_000541.5 (MANE Select); coding-DNA position 536, G replaced by A.
Protein change: p.Arg179His; replaces arginine 179 with histidine.
Molecular consequence: missense variant.
Genome position (GRCh38, 1-based): chr2:233,328,501, G>A. VCF-style: chr2-233328501-G-A. GRCh37 (hg19) VCF-style: chr2-234237147-G-A.
Other names: c.536G>A (NM_000541.4); short protein forms R179H.
Identifiers: ClinVar variation 1932449 (VCV001932449.6), dbSNP rs201978529, ClinGen allele CA2174434.